The following is an entry in ClinVar:

ClinVar aggregate classification (germline): Pathogenic (1 of 4 stars; one submission).

Conditions:
Dilated cardiomyopathy 1O (CMD1O). Also called: CARDIOMYOPATHY, DILATED, WITH VENTRICULAR TACHYCARDIA. Identifiers: Orphanet 154, MedGen C1837839, MONDO:0012062, OMIM 608569.

Submission:

Labcorp Genetics (formerly Invitae), Labcorp
Classification: Pathogenic for Dilated cardiomyopathy 1O. Last evaluated: 2025-09-14. Review status: criteria provided, single submitter. Criteria: Invitae Variant Classification Sherloc (09022015). Collection method: clinical testing. Allele origin: germline.
Comment: This sequence change creates a premature translational stop signal (p.Gly1090Aspfs*2) in the ABCC9 gene. It is expected to result in an absent or disrupted protein product. Loss-of-function variants in ABCC9 are known to be pathogenic (PMID: 31575858, 38217872). This variant is present in population databases (no rsID available, gnomAD 0.002%). This variant has not been reported in the literature in individuals affected with ABCC9-related conditions. ClinVar contains an entry for this variant (Variation ID: 1402291). For these reasons, this variant has been classified as Pathogenic.

Literature cited by the submitters: PubMed 31575858; PubMed 38217872.

NM_020297.4(ABCC9):c.3269del (p.Gly1090fs)

Gene: ABCC9 (ATP binding cassette subfamily C member 9; minus strand). Cytogenetic location: 12p12.1.
Variant type: Deletion.
Coding change: c.3269del on transcript NM_020297.4 (MANE Select); coding-DNA position 3269, one base deleted (G; older notation c.3269delG).
Protein change: p.Gly1090fs; shifts the reading frame from glycine 1090.
Molecular consequence: frameshift variant.
Genome position (GRCh38, 1-based): chr12:21,844,529, C deleted on the plus strand (G on the coding strand, the reverse complement: ABCC9 is on the minus strand); the first of 3 consecutive C bases (chr12:21,844,529-21,844,531); deleting any one gives the same sequence. VCF-style (leftmost placement, unchanged base first): chr12-21844528-TC-T. GRCh37 (hg19) VCF-style: chr12-21997462-TC-T.
Other names: c.3269del, p.Gly1090fs (NM_001377273.1, NM_005691.4); c.2402del, p.Gly801fs (NM_001377274.1); short protein forms G1090fs, G801fs.
Identifiers: ClinVar variation 1402291 (VCV001402291.6), dbSNP rs1403772538, ClinGen allele CA603664042.
Genomic context (GRCh38, chr12:21,844,528, plus strand): 5'-AACCCAGTTACTCACCTGATCAATGATATTAGTATCAGCTGAAAAGCGATTGAGAATCAG[TC>T]CCAGGGGTGTGGTATCAAAAAACCTAGGCAATAAACAGATGGAAGTATATGATAATACTA-3'